The following is an entry in ClinVar:

ClinVar aggregate classification (germline): Uncertain significance (1 of 4 stars; one submission).

gnomAD v4.1: 2 of 1,613,142 alleles (0.00012%); highest among the groups gnomAD compares: Non-Finnish European, 0.00017%; no homozygotes.

Submission:

GeneDx
Classification: Uncertain significance. Last evaluated: 2020-09-28. Review status: criteria provided, single submitter. Criteria: GeneDx Variant Classification Process June 2021. Collection method: clinical testing. Allele origin: germline. Affected: yes.
Comment: Has not been previously published as pathogenic or benign to our knowledge; In silico analysis, which includes protein predictors and evolutionary conservation, supports a deleterious effect; Not observed in large population cohorts (Lek et al., 2016)

NM_001365276.2(TNXB):c.8027G>A (p.Gly2676Glu)

Gene: TNXB (tenascin XB; minus strand). Cytogenetic location: 6p21.33.
Variant type: single nucleotide variant.
Coding change: c.8027G>A on transcript NM_001365276.2 (MANE Select); coding-DNA position 8027, G replaced by A.
Protein change: p.Gly2676Glu; replaces glycine 2676 with glutamic acid.
Molecular consequence: missense variant.
Genome position (GRCh38, 1-based): chr6:32,056,702, C>T on the plus strand (G>A on the coding strand, the complement: TNXB is on the minus strand). VCF-style: chr6-32056702-C-T. GRCh37 (hg19) VCF-style: chr6-32024479-C-T.
Other names: c.8027G>A, p.Gly2676Glu (NM_019105.8); short protein forms G2676E.
Identifiers: ClinVar variation 1215454 (VCV001215454.3), dbSNP rs2151901746, ClinGen allele CA363549953.